The following is an entry in ClinVar:

NM_004766.3(COPB2):c.1141A>G (p.Met381Val)

Gene: COPB2 (coat protein complex I subunit beta 2; minus strand). Cytogenetic location: 3q23.
Variant type: single nucleotide variant.
Coding change: c.1141A>G on transcript NM_004766.3 (MANE Select); coding-DNA position 1141, A replaced by G.
Protein change: p.Met381Val; replaces methionine 381 with valine.
Molecular consequence: missense variant. On other transcripts: non-coding transcript variant (1).
Genome position (GRCh38, 1-based): chr3:139,371,787, T>C on the plus strand (A>G on the coding strand, the complement: COPB2 is on the minus strand). VCF-style: chr3-139371787-T-C. GRCh37 (hg19) VCF-style: chr3-139090629-T-C.
Other names: c.1054A>G, p.Met352Val (NM_001410834.1); short protein forms M352V, M381V.
Identifiers: ClinVar variation 5034892 (VCV005034892.1).

ClinVar aggregate classification (germline): Uncertain significance (1 of 4 stars; one submission).

Conditions:
Inborn genetic diseases. Identifiers: MedGen C0950123, MeSH D030342.

Submission:

Ambry Genetics
Classification: Uncertain significance for Inborn genetic diseases. Last evaluated: 2026-07-19. Review status: criteria provided, single submitter. Criteria: Ambry Variant Classification Scheme 2023. Collection method: clinical testing. Allele origin: germline.
Comment: The c.1141A>G (p.M381V) alteration is located in exon 10 (coding exon 10) of the COPB2 gene. This alteration results from a A to G substitution at nucleotide position 1141, causing the methionine (M) at amino acid position 381 to be replaced by a valine (V). Based on data from gnomAD, the G allele has an overall frequency of <0.001% (1/251324) total alleles studied. The highest observed frequency was 0.006% (1/16252) of African alleles. Based on insufficient or conflicting evidence, the clinical significance of this alteration remains unclear.